The following is an entry in ClinVar:

NM_000051.4(ATM):c.4933G>C (p.Val1645Leu)

Gene: ATM (ATM serine/threonine kinase; plus strand). Cytogenetic location: 11q22.3.
Variant type: single nucleotide variant.
Coding change: c.4933G>C on transcript NM_000051.4 (MANE Select); coding-DNA position 4933, G replaced by C.
Protein change: p.Val1645Leu; replaces valine 1645 with leucine.
Molecular consequence: missense variant.
Genome position (GRCh38, 1-based): chr11:108,297,310, G>C. VCF-style: chr11-108297310-G-C. GRCh37 (hg19) VCF-style: chr11-108168037-G-C.
Other names: c.4933G>C (NM_000051.3); c.4933G>C, p.Val1645Leu (NM_001351834.2); short protein forms V1645L.
Identifiers: ClinVar variation 1352809 (VCV001352809.7), dbSNP rs757381170, ClinGen allele CA382538144.
Genomic context (GRCh38, chr11:108,297,310, plus strand): 5'-TGCTAGTTTAAACTAATTTTTAAAAAATTATTTCTAGATAATCCGCAAGATGGGATTATG[G>C]TGAAACTAGTTGTCAATTTGTTGCAGTTATCCAAGATGGCAATAAACCACACTGGTGAAA-3'
Protein context (NP_000042.3, residues 1635-1655): SQDNPQDGIM[Val1645Leu]KLVVNLLQLS

ClinVar aggregate classification (germline): Uncertain significance. Review status: criteria provided, multiple submitters, no conflicts (2 of 4 stars). 2 submissions from 2 submitters: Uncertain significance (2). Last evaluated 2022-12-23.

Conditions:
Hereditary cancer-predisposing syndrome. Also called: Hereditary Cancer Syndrome; Hereditary neoplastic syndrome; Tumor predisposition; Neoplastic Syndromes, Hereditary. Identifiers: Orphanet 140162, MedGen C0027672, MeSH D009386, MONDO:0015356.
Ataxia-telangiectasia syndrome (AT). Also called: ATAXIA-TELANGIECTASIA, COMPLEMENTATION GROUP A; ATAXIA-TELANGIECTASIA, FRESNO VARIANT; Ataxia-telangiectasia; Ataxia-telangiectasia, complementation group D; Ataxia-telangiectasia, complementation group E; Ataxia telangiectasia (A-T). Identifiers: Orphanet 100, MedGen C0004135, MONDO:0008840, OMIM 208900.

Submissions (2):

Ambry Genetics
Classification: Uncertain significance for Hereditary cancer-predisposing syndrome. Last evaluated: 2022-12-23. Review status: criteria provided, single submitter. Criteria: Ambry Variant Classification Scheme 2023. Collection method: clinical testing. Allele origin: germline.
Comment: The p.V1645L variant (also known as c.4933G>C), located in coding exon 32 of the ATM gene, results from a G to C substitution at nucleotide position 4933. The valine at codon 1645 is replaced by leucine, an amino acid with highly similar properties. This amino acid position is conserved. In addition, this alteration is predicted to be tolerated by in silico analysis. Since supporting evidence is limited at this time, the clinical significance of this alteration remains unclear.

Labcorp Genetics (formerly Invitae), Labcorp
Classification: Uncertain significance for Ataxia-telangiectasia syndrome. Last evaluated: 2021-08-28. Review status: criteria provided, single submitter. Criteria: Invitae Variant Classification Sherloc (09022015). Collection method: clinical testing. Allele origin: germline.
Comment: This sequence change replaces valine with leucine at codon 1645 of the ATM protein (p.Val1645Leu). The valine residue is moderately conserved and there is a small physicochemical difference between valine and leucine. This variant is not present in population databases (ExAC no frequency). This variant has not been reported in the literature in individuals affected with ATM-related conditions. Algorithms developed to predict the effect of missense changes on protein structure and function (SIFT, PolyPhen-2, Align-GVGD) all suggest that this variant is likely to be tolerated. In summary, the available evidence is currently insufficient to determine the role of this variant in disease. Therefore, it has been classified as a Variant of Uncertain Significance.